The following is an entry in ClinVar:

ClinVar aggregate classification (germline): Uncertain significance (1 of 4 stars; one submission).

Conditions:
Niemann-Pick disease, type C1. Also called: NEUROVISCERAL STORAGE DISEASE WITH VERTICAL SUPRANUCLEAR OPHTHALMOPLEGIA; NIEMANN-PICK DISEASE WITH CHOLESTEROL ESTERIFICATION BLOCK; NIEMANN-PICK DISEASE WITHOUT SPHINGOMYELINASE DEFICIENCY; NIEMANN-PICK DISEASE, CHRONIC NEURONOPATHIC FORM; NIEMANN-PICK DISEASE, VARIANT TYPE C1. Identifiers: Orphanet 646, MedGen C3179455, MONDO:0009757, OMIM 257220.

Allele frequency attached by ClinVar (database versions not stated): TOPMed below 0.00001.
gnomAD v4.1: 1 of 1,613,896 alleles (0.000062%); highest among the groups gnomAD compares: Admixed American, 0.0017%; no homozygotes.

Submission:

Labcorp Genetics (formerly Invitae), Labcorp
Classification: Uncertain significance for Niemann-Pick disease, type C1. Last evaluated: 2022-08-05. Review status: criteria provided, single submitter. Criteria: Invitae Variant Classification Sherloc (09022015). Collection method: clinical testing. Allele origin: germline.
Comment: This sequence change replaces glutamic acid, which is acidic and polar, with lysine, which is basic and polar, at codon 1188 of the NPC1 protein (p.Glu1188Lys). This variant is present in population databases (no rsID available, gnomAD 0.003%). This variant has not been reported in the literature in individuals affected with NPC1-related conditions. Advanced modeling of protein sequence and biophysical properties (such as structural, functional, and spatial information, amino acid conservation, physicochemical variation, residue mobility, and thermodynamic stability) performed at Invitae indicates that this missense variant is not expected to disrupt NPC1 protein function. In summary, the available evidence is currently insufficient to determine the role of this variant in disease. Therefore, it has been classified as a Variant of Uncertain Significance.

NM_000271.5(NPC1):c.3562G>A (p.Glu1188Lys)

Gene: NPC1 (NPC intracellular cholesterol transporter 1; minus strand). Cytogenetic location: 18q11.2.
Variant type: single nucleotide variant.
Coding change: c.3562G>A on transcript NM_000271.5 (MANE Select); coding-DNA position 3562, G replaced by A.
Protein change: p.Glu1188Lys; replaces glutamic acid 1188 with lysine.
Molecular consequence: missense variant.
Genome position (GRCh38, 1-based): chr18:23,534,475, C>T on the plus strand (G>A on the coding strand, the complement: NPC1 is on the minus strand). VCF-style: chr18-23534475-C-T. GRCh37 (hg19) VCF-style: chr18-21114439-C-T.
Other names: short protein forms E1188K.
Identifiers: ClinVar variation 2199985 (VCV002199985.1), dbSNP rs776701050, ClinGen allele CA401790923.